The following is an entry in ClinVar:

NM_025137.4(SPG11):c.2068-498T>G

Gene: SPG11 (SPG11 vesicle trafficking associated, spatacsin; minus strand). Cytogenetic location: 15q21.1.
Variant type: single nucleotide variant.
Coding change: c.2068-498T>G on transcript NM_025137.4 (MANE Select); 498 bases into the intron before coding-DNA position 2068, T replaced by G.
Molecular consequence: intron variant.
Genome position (GRCh38, 1-based): chr15:44,627,005, A>C on the plus strand (T>G on the coding strand, the complement: SPG11 is on the minus strand). VCF-style: chr15-44627005-A-C. GRCh37 (hg19) VCF-style: chr15-44919203-A-C.
Other names: NM_001160227.2:c.2068-498T>G; c.2068-498T>G (NM_001411132.1, NM_001160227.2).
Identifiers: ClinVar variation 4819583 (VCV004819583.1).

ClinVar aggregate classification (germline): Likely pathogenic (1 of 4 stars; one submission).

Conditions:
Hereditary spastic paraplegia 11. Also called: SPASTIC PARAPLEGIA, AUTOSOMAL RECESSIVE, COMPLICATED, WITH THIN CORPUS CALLOSUM; SPASTIC PARAPLEGIA, AUTOSOMAL RECESSIVE, WITH MENTAL IMPAIRMENT AND THIN CORPUS CALLOSUM; Spastic Paraplegia 11; Spastic paraplegia, mental retardation and thin corpus callosum; Nakamura Osame syndrome; Autosomal recessive hereditary spastic paraplegia, mental impairment, and thin corpus callosum. Identifiers: Orphanet 2822, MedGen C1858479, MONDO:0011445, OMIM 604360.

Submission:

Broad Center for Mendelian Genomics, Broad Institute of MIT and Harvard
Classification: Likely pathogenic for Hereditary spastic paraplegia 11. Last evaluated: 2026-03-05. Review status: criteria provided, single submitter. Criteria: ACMG Guidelines, 2015. Collection method: research. Allele origin: germline. Inheritance: Autosomal recessive inheritance. Study: GREGoR Consortium.
Comment: This variant was absent from large population studies (PM2_supporting). A computational prediction tool, SpliceAI, predicts incorporation of a 105nt pseudoexon, leading to a stop codon introduction which would then lead to an abnormal or absent protein (PP3). RNAseq analysis performed by the Broad Institute Rare Genomes Project on a blood sample from a patient carrying this variant confirmed this prediction (PS3). In summary, although additional studies are required to fully establish its clinical significance, this variant meets criteria to be classified as likely pathogenic for autosomal recessive hereditary spastic paraplegia. ACMG/AMP Criteria applied: PS3, PM3, PP3, PM2_supporting.